The following is an entry in ClinVar:

ClinVar aggregate classification (germline): Uncertain significance (1 of 4 stars; one submission).

Allele frequency attached by ClinVar (database versions not stated): gnomAD exomes 0.00002; ExAC 0.00002.
gnomAD v4.1: 26 of 1,614,150 alleles (0.0016%); highest among the groups gnomAD compares: South Asian, 0.025%; no homozygotes.

Submission:

Labcorp Genetics (formerly Invitae), Labcorp
Classification: Uncertain significance. Last evaluated: 2022-10-17. Review status: criteria provided, single submitter. Criteria: Invitae Variant Classification Sherloc (09022015). Collection method: clinical testing. Allele origin: germline.
Comment: In summary, the available evidence is currently insufficient to determine the role of this variant in disease. Therefore, it has been classified as a Variant of Uncertain Significance. Advanced modeling of protein sequence and biophysical properties (such as structural, functional, and spatial information, amino acid conservation, physicochemical variation, residue mobility, and thermodynamic stability) performed at Invitae indicates that this missense variant is not expected to disrupt TTLL5 protein function. ClinVar contains an entry for this variant (Variation ID: 1494487). This variant has not been reported in the literature in individuals affected with TTLL5-related conditions. This variant is present in population databases (rs759541989, gnomAD 0.02%). This sequence change replaces arginine, which is basic and polar, with serine, which is neutral and polar, at codon 560 of the TTLL5 protein (p.Arg560Ser).

NM_015072.5(TTLL5):c.1680A>C (p.Arg560Ser)

Gene: TTLL5 (tubulin tyrosine ligase like 5; plus strand). Cytogenetic location: 14q24.3.
Variant type: single nucleotide variant.
Coding change: c.1680A>C on transcript NM_015072.5 (MANE Select); coding-DNA position 1680, A replaced by C.
Protein change: p.Arg560Ser; replaces arginine 560 with serine.
Molecular consequence: missense variant.
Genome position (GRCh38, 1-based): chr14:75,764,744, A>C. VCF-style: chr14-75764744-A-C. GRCh37 (hg19) VCF-style: chr14-76231087-A-C.
Other names: short protein forms R560S.
Identifiers: ClinVar variation 1494487 (VCV001494487.6), dbSNP rs759541989, ClinGen allele CA7279489.
Genomic context (GRCh38, chr14:75,764,744, plus strand): 5'-ACTTTACGAGAGGAAGCTCCTGTCTCTGGAGGTGCGAAAACGTAGACGACGGAGTAGCAG[A>C]TTGAGGGCAATGAGGCCAAAATACCCAGGTACCTGCTGGTGAGCTTTCACCAAACTCCCT-3'
Protein context (NP_055887.3, residues 550-570): EVRKRRRRSS[Arg560Ser]LRAMRPKYPV